The following is an entry in ClinVar:

NM_004364.5(CEBPA):c.195C>G (p.Ser65Arg)

Gene: CEBPA (CCAAT enhancer binding protein alpha; minus strand). Cytogenetic location: 19q13.11.
Variant type: single nucleotide variant.
Coding change: c.195C>G on transcript NM_004364.5 (MANE Select); coding-DNA position 195, C replaced by G.
Protein change: p.Ser65Arg; replaces serine 65 with arginine.
Molecular consequence: missense variant. On other transcripts: 5 prime UTR variant (1).
Genome position (GRCh38, 1-based): chr19:33,302,220, G>C on the plus strand (C>G on the coding strand, the complement: CEBPA is on the minus strand). VCF-style: chr19-33302220-G-C. GRCh37 (hg19) VCF-style: chr19-33793126-G-C.
Other names: c.-163C>G (NM_001285829.2); c.300C>G, p.Ser100Arg (NM_001287424.2); c.153C>G, p.Ser51Arg (NM_001287435.2); short protein forms S100R, S51R, S65R.
Identifiers: ClinVar variation 1720894 (VCV001720894.6), dbSNP rs1261092652, ClinGen allele CA405275476.

ClinVar aggregate classification (germline): Uncertain significance (1 of 4 stars; one submission).

Conditions:
Acute myeloid leukemia (AML). Also called: Leukemia, acute myeloid, somatic; Leukemia, acute myelogenous, somatic; Acute myeloid leukemia, adult; AML adult; Acute non-lymphocytic leukemia; Acute granulocytic leukemia. Identifiers: Orphanet 519, MedGen C0023467, MeSH D015470, MONDO:0018874, OMIM 601626, HP:0004808. Disease mechanism: Constitutively activated FLT3.

Submission:

Labcorp Genetics (formerly Invitae), Labcorp
Classification: Uncertain significance for Acute myeloid leukemia. Last evaluated: 2022-10-03. Review status: criteria provided, single submitter. Criteria: Invitae Variant Classification Sherloc (09022015). Collection method: clinical testing. Allele origin: germline.
Comment: This sequence change replaces serine, which is neutral and polar, with arginine, which is basic and polar, at codon 65 of the CEBPA protein (p.Ser65Arg). This variant is not present in population databases (gnomAD no frequency). This variant has not been reported in the literature in individuals affected with CEBPA-related conditions. Advanced modeling of protein sequence and biophysical properties (such as structural, functional, and spatial information, amino acid conservation, physicochemical variation, residue mobility, and thermodynamic stability) performed at Invitae indicates that this missense variant is expected to disrupt CEBPA protein function. In summary, the available evidence is currently insufficient to determine the role of this variant in disease. Therefore, it has been classified as a Variant of Uncertain Significance.